The following is an entry in ClinVar:

NM_000064.4(C3):c.2712G>T (p.Lys904Asn)

Gene: C3 (complement C3; minus strand). Cytogenetic location: 19p13.3.
Variant type: single nucleotide variant.
Coding change: c.2712G>T on transcript NM_000064.4 (MANE Select); coding-DNA position 2712, G replaced by T.
Protein change: p.Lys904Asn; replaces lysine 904 with asparagine.
Molecular consequence: missense variant.
Genome position (GRCh38, 1-based): chr19:6,697,428, C>A on the plus strand (G>T on the coding strand, the complement: C3 is on the minus strand). VCF-style: chr19-6697428-C-A. GRCh37 (hg19) VCF-style: chr19-6697439-C-A.
Other names: short protein forms K904N.
Identifiers: ClinVar variation 3003233 (VCV003003233.4), dbSNP rs761075541, ClinGen allele CA9128985.

ClinVar aggregate classification (germline): Conflicting classifications of pathogenicity. Review status: criteria provided, conflicting classifications (1 of 4 stars). 2 submissions from 2 submitters: Uncertain significance (1); Likely benign (1). Last evaluated 2023-11-21.

Conditions:
Inborn genetic diseases. Identifiers: MedGen C0950123, MeSH D030342.

Allele frequency attached by ClinVar (database versions not stated): gnomAD 0.00001; TOPMed 0.00001; ExAC 0.00002.
gnomAD v4.1: 2 of 1,613,716 alleles (0.00012%); highest among the groups gnomAD compares: East Asian, 0.0022%; no homozygotes.

Submissions (2):

Ambry Genetics
Classification: Likely benign for Inborn genetic diseases. Last evaluated: 2023-11-21. Review status: criteria provided, single submitter. Criteria: Ambry Variant Classification Scheme 2023. Collection method: clinical testing. Allele origin: germline.

Labcorp Genetics (formerly Invitae), Labcorp
Classification: Uncertain significance. Last evaluated: 2023-10-22. Review status: criteria provided, single submitter. Criteria: Invitae Variant Classification Sherloc (09022015). Collection method: clinical testing. Allele origin: germline.
Comment: This sequence change replaces lysine, which is basic and polar, with asparagine, which is neutral and polar, at codon 904 of the C3 protein (p.Lys904Asn). This variant is present in population databases (rs761075541, gnomAD 0.02%). This variant has not been reported in the literature in individuals affected with C3-related conditions. Advanced modeling of protein sequence and biophysical properties (such as structural, functional, and spatial information, amino acid conservation, physicochemical variation, residue mobility, and thermodynamic stability) performed at Invitae indicates that this missense variant is not expected to disrupt C3 protein function. In summary, the available evidence is currently insufficient to determine the role of this variant in disease. Therefore, it has been classified as a Variant of Uncertain Significance.